The following is an entry in ClinVar:

ClinVar aggregate classification (germline): Uncertain significance. Review status: criteria provided, multiple submitters, no conflicts (2 of 4 stars). 2 submissions from 2 submitters: Uncertain significance (2). Last evaluated 2025-08-18.

gnomAD v4.1: 1 of 1,600,330 alleles (0.000062%); highest among the groups gnomAD compares: South Asian, 0.0011%; no homozygotes.

Submissions (2):

Dasa
Classification: Uncertain significance. Last evaluated: 2025-08-18. Review status: criteria provided, single submitter. Criteria: DASA Assertion Criteria. Collection method: clinical testing. Allele origin: germline.
Comment: NM_000256.3(MYBPC3):c.3178C>G (p.Leu1060Val) is a missense variant that results in the substitution of leucine with valine. This variant is rare in population databases. Computational prediction algorithms are consistent with a benign effect. The currently available literature and clinical evidence are not sufficient to establish a definitive association between this variant and the reported condition. Therefore, this variant is classified as a variant of uncertain significance.

GeneDx
Classification: Uncertain significance. Last evaluated: 2024-01-15. Review status: criteria provided, single submitter. Criteria: GeneDx Variant Classification Process June 2021. Collection method: clinical testing. Allele origin: germline. Affected: yes.
Comment: Not observed at significant frequency in large population cohorts (gnomAD); In silico analysis supports that this missense variant does not alter protein structure/function; Has not been previously published as pathogenic or benign to our knowledge

NM_000256.3(MYBPC3):c.3178C>G (p.Leu1060Val)

Gene: MYBPC3 (myosin binding protein C3; minus strand). Cytogenetic location: 11p11.2.
Variant type: single nucleotide variant.
Coding change: c.3178C>G on transcript NM_000256.3 (MANE Select); coding-DNA position 3178, C replaced by G.
Protein change: p.Leu1060Val; replaces leucine 1060 with valine.
Molecular consequence: missense variant.
Genome position (GRCh38, 1-based): chr11:47,333,569, G>C on the plus strand (C>G on the coding strand, the complement: MYBPC3 is on the minus strand). VCF-style: chr11-47333569-G-C. GRCh37 (hg19) VCF-style: chr11-47355120-G-C.
Other names: short protein forms L1060V.
Identifiers: ClinVar variation 3368010 (VCV003368010.3).
Genomic context (GRCh38, chr11:47,333,569, plus strand): 5'-GCCCAGGGAAGGGAAACAAGGGGGCTCAAGGAGGCCTTGGCCACGCACCAACAACCTGCA[G>C]CACCAGCGTGGCCTTGTCCTCCATGTTCTCAATGCGCACCGTCACCTGGTAAGTGCCTGA-3'
Protein context (NP_000247.2, residues 1050-1070): ENMEDKATLV[Leu1060Val]QVVDKPSPPQ